The following is an entry in ClinVar:

NM_001440.4(EXTL3):c.1910G>A (p.Arg637Gln)

Gene: EXTL3 (exostosin like glycosyltransferase 3; plus strand). Cytogenetic location: 8p21.1.
Variant type: single nucleotide variant.
Coding change: c.1910G>A on transcript NM_001440.4 (MANE Select); coding-DNA position 1910, G replaced by A.
Protein change: p.Arg637Gln; replaces arginine 637 with glutamine.
Molecular consequence: missense variant.
Genome position (GRCh38, 1-based): chr8:28,717,969, G>A. VCF-style: chr8-28717969-G-A. GRCh37 (hg19) VCF-style: chr8-28575486-G-A.
Other names: short protein forms R637Q.
Identifiers: ClinVar variation 1511827 (VCV001511827.3), dbSNP rs756490197, ClinGen allele CA4696309.
Genomic context (GRCh38, chr8:28,717,969, plus strand): 5'-CTCCCTTTGACCCTGTGTTGCCCTCAGAGGCCAAATTCTTGGGCTCAGGGACTGGCTTTC[G>A]GCCTATTGGTGGTGGAGCTGGGGGTTCTGGCAAGGAATTTCAGGCAGCGCTTGGAGGCAA-3'
Protein context (NP_001431.1, residues 627-647): AKFLGSGTGF[Arg637Gln]PIGGGAGGSG

ClinVar aggregate classification (germline): Uncertain significance (1 of 4 stars; one submission).

Allele frequency attached by ClinVar (database versions not stated): TOPMed below 0.00001; gnomAD exomes 0.00001; ExAC 0.00002.
gnomAD v4.1: 9 of 1,614,152 alleles (0.00056%); highest among the groups gnomAD compares: South Asian, 0.0033%; no homozygotes.

Submission:

Labcorp Genetics (formerly Invitae), Labcorp
Classification: Uncertain significance. Last evaluated: 2022-02-09. Review status: criteria provided, single submitter. Criteria: Invitae Variant Classification Sherloc (09022015). Collection method: clinical testing. Allele origin: germline.
Comment: This sequence change replaces arginine, which is basic and polar, with glutamine, which is neutral and polar, at codon 637 of the EXTL3 protein (p.Arg637Gln). This variant is present in population databases (rs756490197, gnomAD 0.003%). This variant has not been reported in the literature in individuals affected with EXTL3-related conditions. Algorithms developed to predict the effect of missense changes on protein structure and function (SIFT, PolyPhen-2, Align-GVGD) all suggest that this variant is likely to be disruptive. In summary, the available evidence is currently insufficient to determine the role of this variant in disease. Therefore, it has been classified as a Variant of Uncertain Significance.